The following is an entry in ClinVar:

ClinVar aggregate classification (germline): Likely benign (1 of 4 stars; one submission).

gnomAD v4.1: 5,470 of 1,614,082 alleles (0.34%); highest among the groups gnomAD compares: Non-Finnish European, 0.4%; 16 homozygotes.

Submission:

CeGaT Center for Human Genetics Tuebingen
Classification: Likely benign. Last evaluated: 2026-07-01. Review status: criteria provided, single submitter. Criteria: CeGaT Center For Human Genetics Tuebingen Variant Classification Criteria Version 2. Collection method: clinical testing. Allele origin: germline. Affected: yes. Observed: 4 variant alleles.
Comment: LZTFL1: BS2; CCR9: BP4, BS2

NM_031200.3(CCR9):c.691G>A (p.Ala231Thr)

Genes: CCR9 (C-C motif chemokine receptor 9; plus strand), LZTFL1 (leucine zipper transcription factor like 1; minus strand). Cytogenetic location: 3p21.31.
Variant type: single nucleotide variant.
Coding change: c.691G>A on transcript NM_031200.3 (MANE Select); coding-DNA position 691, G replaced by A.
Protein change: p.Ala231Thr; replaces alanine 231 with threonine.
Molecular consequence: missense variant. On other transcripts: intron variant (8).
Genome position (GRCh38, 1-based): chr3:45,901,479, G>A. VCF-style: chr3-45901479-G-A. GRCh37 (hg19) VCF-style: chr3-45942971-G-A.
Other names: c.655G>A, p.Ala219Thr (NM_001256369.2, NM_006641.4); c.691G>A, p.Ala231Thr (NM_001386447.1, NM_001386448.1); c.27+11641C>T (NM_001405925.1, NM_001405920.1, NM_001276379.2 and 1 more transcripts); c.-138+11641C>T (NM_001405927.1, NM_001276378.2); c.-177+11641C>T (NM_001405926.1, NM_001405923.1); short protein forms A219T, A231T.
Identifiers: ClinVar variation 4533420 (VCV004533420.6).